The following is an entry in ClinVar:

NM_001166108.2(PALLD):c.1965-12616C>T

Gene: PALLD (palladin, cytoskeletal associated protein; plus strand). Cytogenetic location: 4q32.3.
Variant type: single nucleotide variant.
Coding change: c.1965-12616C>T on transcript NM_001166108.2 (MANE Select); 12616 bases into the intron before coding-DNA position 1965, C replaced by T.
Molecular consequence: intron variant. On other transcripts: missense variant (1).
Genome position (GRCh38, 1-based): chr4:168,878,306, C>T. VCF-style: chr4-168878306-C-T. GRCh37 (hg19) VCF-style: chr4-169799457-C-T.
Other names: P239S; p.P139S:CCC>TCC; c.415C>T, p.Pro139Ser (NM_001166110.2); c.1965-12616C>T (NM_016081.4); c.819-12616C>T (NM_001166109.2); c.-157-12616C>T (NM_001367570.1, NM_001367568.1, NM_001367567.1 and 1 more transcripts); short protein forms P139S.
Identifiers: ClinVar variation 2572 (VCV000002572.53), dbSNP rs121908291, ClinGen allele CA115612.

ClinVar aggregate classification (germline): Conflicting classifications of pathogenicity. Review status: criteria provided, conflicting classifications (1 of 4 stars). 5 submissions from 5 submitters: Uncertain significance (2); Benign (1). 2 of the submissions do not count toward it. Last evaluated 2026-01-05.

Conditions:
PALLD-related disorder. Also called: PALLD-related condition.
Pancreatic adenocarcinoma. Identifiers: MedGen C0281361, MONDO:0006047, HP:0006725.
Pancreatic cancer, susceptibility to, 1. Identifiers: Orphanet 1333, MedGen C1847351, MONDO:0011739, OMIM 606856.

Allele frequency attached by ClinVar (database versions not stated): gnomAD 0.00025 and 0.00026; TOPMed 0.00025; ExAC 0.00009; gnomAD exomes 0.00088 and 0.00020.
gnomAD v4.1: 1,222 of 1,527,100 alleles (0.08%); highest among the groups gnomAD compares: Non-Finnish European, 0.1%; 4 homozygotes.

Submissions (5):

Labcorp Genetics (formerly Invitae), Labcorp
Classification: Uncertain significance for Pancreatic adenocarcinoma. Last evaluated: 2026-01-05. Review status: criteria provided, single submitter. Criteria: Invitae Variant Classification Sherloc (09022015). Collection method: clinical testing. Allele origin: germline.
Comment: This sequence change replaces proline, which is neutral and non-polar, with serine, which is neutral and polar, at codon 139 of the PALLD protein (p.Pro139Ser). This variant is present in population databases (rs121908291, gnomAD 0.05%), and has an allele count higher than expected for a pathogenic variant. This missense change has been observed in individual(s) with clinical features of PALLD-related conditions (PMID: 10454945, 11474289, 17194196, 17415588). It has also been observed to segregate with disease in related individuals. This variant is also known as 715C>T (Pro239Ser). ClinVar contains an entry for this variant (Variation ID: 2572). An algorithm developed to predict the effect of missense changes on protein structure and function (PolyPhen-2) suggests that this variant is likely to be disruptive. Experimental studies have shown that this missense change affects PALLD function (PMID: 17194196). In summary, the available evidence is currently insufficient to determine the role of this variant in disease. Therefore, it has been classified as a Variant of Uncertain Significance.

Ambry Genetics
Classification: Uncertain significance. Last evaluated: 2024-10-04. Review status: criteria provided, single submitter. Criteria: Ambry Variant Classification Scheme 2023. Collection method: clinical testing. Allele origin: germline.

GeneDx
Classification: Benign. Last evaluated: 2014-02-06. Review status: criteria provided, single submitter. Criteria: GeneDx Variant Classification (06012015). Collection method: clinical testing. Allele origin: germline. Affected: yes.
Comment: This variant is considered likely benign or benign based on one or more of the following criteria: it is a conservative change, it occurs at a poorly conserved position in the protein, it is predicted to be benign by multiple in silico algorithms, and/or has population frequency not consistent with disease.

PreventionGenetics, part of Exact Sciences
Classification: Likely benign for PALLD-related condition. Last evaluated: 2024-02-26. Review status: no assertion criteria provided. Collection method: clinical testing. Allele origin: germline. Not counted in ClinVar's aggregate classification.
Comment: This variant is classified as likely benign based on ACMG/AMP sequence variant interpretation guidelines (Richards et al. 2015 PMID: 25741868, with internal and published modifications).

OMIM
Classification: risk factor for PANCREATIC CANCER, SUSCEPTIBILITY TO, 1. Last evaluated: 2007-06-01. Review status: no assertion criteria provided. Collection method: literature only. Allele origin: germline. Not counted in ClinVar's aggregate classification.

Literature cited by the submitters: PubMed 10454945 (cited by Labcorp Genetics (formerly Invitae), Labcorp); PubMed 11474289 (cited by Labcorp Genetics (formerly Invitae), Labcorp); PubMed 17194196 (cited by Labcorp Genetics (formerly Invitae), Labcorp and OMIM); PubMed 17415588 (cited by Labcorp Genetics (formerly Invitae), Labcorp and OMIM).